The following is an entry in ClinVar:

NM_015100.4(POGZ):c.1895A>T (p.Asn632Ile)

Gene: POGZ (pogo transposable element derived with ZNF domain; minus strand). Cytogenetic location: 1q21.3.
Variant type: single nucleotide variant.
Coding change: c.1895A>T on transcript NM_015100.4 (MANE Select); coding-DNA position 1895, A replaced by T.
Protein change: p.Asn632Ile; replaces asparagine 632 with isoleucine.
Molecular consequence: missense variant.
Genome position (GRCh38, 1-based): chr1:151,411,656, T>A on the plus strand (A>T on the coding strand, the complement: POGZ is on the minus strand). VCF-style: chr1-151411656-T-A. GRCh37 (hg19) VCF-style: chr1-151384132-T-A.
Other names: c.1868A>T, p.Asn623Ile (NM_001194937.2); c.1709A>T, p.Asn570Ile (NM_001194938.2); c.1916A>T, p.Asn639Ile (NM_001410860.1); c.1610A>T, p.Asn537Ile (NM_145796.4); c.1736A>T, p.Asn579Ile (NM_207171.2); short protein forms N537I, N570I, N579I, N623I, N632I, N639I.
Identifiers: ClinVar variation 2633948 (VCV002633948.2), dbSNP rs144140159, ClinGen allele CA341962589.
Genomic context (GRCh38, chr1:151,411,656, plus strand): 5'-GAATATGGGAATTGCTTGGTGCCTAGTACCTGGTGCCTCATGTAATGCTGTTGGAATGCA[T>A]TGCCATTTTTGAAGACCTTCAGGCAATAAGGGCAGAGCAGATGCCGGGTATCCTCATGGA-3'
Protein context (NP_055915.2, residues 622-642): PYCLKVFKNG[Asn632Ile]AFQQHYMRHQ

ClinVar aggregate classification (germline): Uncertain significance. Review status: criteria provided, multiple submitters, no conflicts (2 of 4 stars). 2 submissions from 2 submitters: Uncertain significance (2). Last evaluated 2025-01-15.

Conditions:
Inborn genetic diseases. Identifiers: MedGen C0950123, MeSH D030342.
POGZ-related disorder. Also called: POGZ-related condition.

gnomAD v4.1: 7 of 1,612,870 alleles (0.00043%); highest among the groups gnomAD compares: Non-Finnish European, 0.00059%; no homozygotes.

Submissions (2):

Ambry Genetics
Classification: Uncertain significance for Inborn genetic diseases. Last evaluated: 2025-01-15. Review status: criteria provided, single submitter. Criteria: Ambry Variant Classification Scheme 2023. Collection method: clinical testing. Allele origin: germline.

PreventionGenetics, part of Exact Sciences
Classification: Uncertain significance for POGZ-related condition. Last evaluated: 2023-10-10. Review status: criteria provided, single submitter. Criteria: ACMG Guidelines, 2015. Collection method: clinical testing. Allele origin: germline.
Comment: The POGZ c.1895A>T variant is predicted to result in the amino acid substitution p.Asn632Ile. To our knowledge, this variant has not been reported in the literature or in a large population database, indicating this variant is rare. At this time, the clinical significance of this variant is uncertain due to the absence of conclusive functional and genetic evidence.